The following is an entry in ClinVar:

NM_004621.6(TRPC6):c.1090dup (p.Ser364fs)

Gene: TRPC6 (transient receptor potential cation channel subfamily C member 6; minus strand). Cytogenetic location: 11q22.1.
Variant type: Duplication.
Coding change: c.1090dup on transcript NM_004621.6 (MANE Select); coding-DNA position 1090, one base duplicated (A; older notation c.1090dupA).
Protein change: p.Ser364fs; shifts the reading frame from serine 364.
Molecular consequence: frameshift variant.
Genome position (GRCh38, 1-based): chr11:101,491,594, T duplicated on the plus strand (A on the coding strand, the reverse complement: TRPC6 is on the minus strand). VCF-style (leftmost placement, unchanged base first): chr11-101491593-C-CT. GRCh37 (hg19) VCF-style: chr11-101362324-C-CT.
Other names: short protein forms S364fs.
Identifiers: ClinVar variation 2585357 (VCV002585357.1), dbSNP rs2496173240, ClinGen allele CA2582342448.
Genomic context (GRCh38, chr11:101,491,593, plus strand): 5'-ACGGGCTTCACGCCTGACCTTACTTTTTTTACTTCATATTTAATGGCAAGTTTTAAACGG[C>CT]TGAGATTTGGGCGACCGTGATCACCACTCTGGAGCGTTTCAACATCCCCATTCAGAATGG-3'

ClinVar aggregate classification (germline): Likely pathogenic (1 of 4 stars; one submission).

Conditions:
Focal segmental glomerulosclerosis 2 (FSGS2). Identifiers: Orphanet 656, MedGen C1858915, MONDO:0011390, OMIM 603965.

Submission:

Neuberg Centre For Genomic Medicine, NCGM
Classification: Likely pathogenic for Focal segmental glomerulosclerosis 2. Review status: criteria provided, single submitter. Criteria: ACMG Guidelines, 2015. Collection method: clinical testing. Allele origin: germline. Inheritance: Autosomal dominant inheritance. Affected: yes.
Comment: The frameshift c.1090dup (p.Ser364LysfsTer8) variant in TRPC6 gene has not been reported previously as a pathogenic variant nor as a benign variant, to our knowledge. The p.Ser364LysfsTer8 variant is novel (not in any individuals) in gnomAD Exomes and 1000 Genomes. This variant is predicted to cause loss of normal protein function through protein truncation. Loss of function variants have been reported previously to be disease causing (Reiser et al,2005). For these reasons, this variant has been classified as Likely Pathogenic.